The following is an entry in ClinVar:

NM_003900.5(SQSTM1):c.943G>A (p.Ala315Thr)

Gene: SQSTM1 (sequestosome 1; plus strand). Cytogenetic location: 5q35.3.
Variant type: single nucleotide variant.
Coding change: c.943G>A on transcript NM_003900.5 (MANE Select); coding-DNA position 943, G replaced by A.
Protein change: p.Ala315Thr; replaces alanine 315 with threonine.
Molecular consequence: missense variant.
Genome position (GRCh38, 1-based): chr5:179,833,220, G>A. VCF-style: chr5-179833220-G-A. GRCh37 (hg19) VCF-style: chr5-179260220-G-A.
Other names: c.691G>A, p.Ala231Thr (NM_001142298.2, NM_001142299.2); short protein forms A315T, A231T.
Identifiers: ClinVar variation 1386169 (VCV001386169.6), dbSNP rs777431896, ClinGen allele CA3600736.

ClinVar aggregate classification (germline): Uncertain significance (1 of 4 stars; one submission).

Conditions:
Frontotemporal dementia and/or amyotrophic lateral sclerosis 1 (FTDALS1). Also called: Frontotemporal dementia with motor neuron disease 1; C9orf72 Frontotemporal Dementia and/or Amyotrophic Lateral Sclerosis. Identifiers: Orphanet 275872, MedGen C5779877, MONDO:0007105, OMIM 105550.
Paget disease of bone 2, early-onset (PDB2). Also called: Paget disease of bone 2. Identifiers: MedGen C4085251, MONDO:0011183, OMIM 602080.

Allele frequency attached by ClinVar (database versions not stated): gnomAD 0.00002; TOPMed 0.00002; gnomAD exomes 0.00010; ExAC 0.00018.
gnomAD v4.1: 54 of 1,603,150 alleles (0.0034%); highest among the groups gnomAD compares: East Asian, 0.02%; 1 homozygote.

Submission:

Labcorp Genetics (formerly Invitae), Labcorp
Classification: Uncertain significance for Paget disease of bone 2, early-onset; Frontotemporal dementia and/or amyotrophic lateral sclerosis 1. Last evaluated: 2026-01-02. Review status: criteria provided, single submitter. Criteria: Invitae Variant Classification Sherloc (09022015). Collection method: clinical testing. Allele origin: germline.
Comment: This sequence change replaces alanine, which is neutral and non-polar, with threonine, which is neutral and polar, at codon 315 of the SQSTM1 protein (p.Ala315Thr). This variant is present in population databases (rs777431896, gnomAD 0.04%). This missense change has been observed in individual(s) with amyotrophic lateral sclerosis (PMID: 39122262). ClinVar contains an entry for this variant (Variation ID: 1386169). Invitae Evidence Modeling of protein sequence and biophysical properties (such as structural, functional, and spatial information, amino acid conservation, physicochemical variation, residue mobility, and thermodynamic stability) indicates that this missense variant is not expected to disrupt SQSTM1 protein function with a negative predictive value of 80%. In summary, the available evidence is currently insufficient to determine the role of this variant in disease. Therefore, it has been classified as a Variant of Uncertain Significance.

Literature cited by the submitters: PubMed 39122262.